The following is an entry in ClinVar:

NM_052947.4(ALPK2):c.3712A>G (p.Ile1238Val)

Genes: ALPK2 (alpha kinase 2; minus strand), LOC126862764 (BRD4-independent group 4 enhancer GRCh37_chr18:56202574-56203773; plus strand). Cytogenetic location: 18q21.31.
Variant type: single nucleotide variant.
Coding change: c.3712A>G on transcript NM_052947.4 (MANE Select); coding-DNA position 3712, A replaced by G.
Protein change: p.Ile1238Val; replaces isoleucine 1238 with valine.
Molecular consequence: missense variant.
Genome position (GRCh38, 1-based): chr18:58,536,475, T>C on the plus strand (A>G on the coding strand, the complement: ALPK2 is on the minus strand). VCF-style: chr18-58536475-T-C. GRCh37 (hg19) VCF-style: chr18-56203707-T-C.
Other names: short protein forms I1238V.
Identifiers: ClinVar variation 1734209 (VCV001734209.2), dbSNP rs2051648650, ClinGen allele CA402565946.

ClinVar aggregate classification (germline): Uncertain significance (1 of 4 stars; one submission).

gnomAD v4.1: 1 of 1,614,070 alleles (0.000062%); no homozygotes.

Submission:

Ambry Genetics
Classification: Uncertain significance. Last evaluated: 2023-12-14. Review status: criteria provided, single submitter. Criteria: Ambry Variant Classification Scheme 2023. Collection method: clinical testing. Allele origin: germline.
Comment: The p.I1238V variant (also known as c.3712A>G), located in coding exon 4 of the ALPK2 gene, results from an A to G substitution at nucleotide position 3712. The isoleucine at codon 1238 is replaced by valine, an amino acid with highly similar properties. This amino acid position is conserved. In addition, this alteration is predicted to be tolerated by in silico analysis. Since supporting evidence is limited at this time, the clinical significance of this alteration remains unclear.